The following is an entry in ClinVar:

NM_020297.4(ABCC9):c.2511_2513delinsCCA (p.Pro838Gln)

Gene: ABCC9 (ATP binding cassette subfamily C member 9; minus strand). Cytogenetic location: 12p12.1.
Variant type: Indel.
Coding change: c.2511_2513delinsCCA on transcript NM_020297.4 (MANE Select); coding-DNA positions 2511 to 2513, TCC replaced by CCA.
Protein change: p.Pro838Gln; replaces proline 838 with glutamine.
Molecular consequence: missense variant.
Genome position (GRCh38, 1-based): chr12:21,852,498-21,852,500, GGA replaced by TGG on the plus strand (TCC replaced by CCA on the coding strand, the reverse complement: ABCC9 is on the minus strand). VCF-style: chr12-21852498-GGA-TGG. GRCh37 (hg19) VCF-style: chr12-22005432-GGA-TGG.
Other names: c.2511_2513delinsCCA, p.Pro838Gln (NM_001377273.1, NM_005691.4); c.1644_1646delinsCCA, p.Pro549Gln (NM_001377274.1); c.2511_2513delTCCinsCCA, p.Pro838Gln (NM_020297.2); short protein forms P549Q, P838Q.
Identifiers: ClinVar variation 1712038 (VCV001712038.2), dbSNP rs2541137874, ClinGen allele CA2580085304.
Genomic context (GRCh38, chr12:21,852,498, plus strand): 5'-AATTTCAAAATCCCCTCCTGCATTAAATGATCACTCAAGTGAATGTCCAGGGCTGAGAAT[GGA>TGG]TCATCCTGCAATCAGTAAAATGGAGGAAAGATGGACGTTTTCTATACTTGTTACATAACT-3'
Protein context (NP_064693.2, residues 828-848): QNTNIVFLDD[Pro838Gln]FSALDIHLSD

ClinVar aggregate classification (germline): Uncertain significance (1 of 4 stars; one submission).

Submission:

GeneDx
Classification: Uncertain significance. Last evaluated: 2022-04-20. Review status: criteria provided, single submitter. Criteria: GeneDx Variant Classification Process June 2021. Collection method: clinical testing. Allele origin: germline. Affected: yes.
Comment: Not observed at significant frequency in large population cohorts (gnomAD); In silico analysis supports a deleterious effect on protein structure/function; Has not been previously published as pathogenic or benign to our knowledge